The following is an entry in ClinVar:

NM_005120.3(MED12):c.100-15_100-14delinsTT

Gene: MED12 (mediator complex subunit 12; plus strand). Cytogenetic location: Xq13.1.
Variant type: Indel.
Coding change: c.100-15_100-14delinsTT on transcript NM_005120.3 (MANE Select); 15 bases into the intron before coding-DNA position 100 through 14 bases into the intron before coding-DNA position 100, GC replaced by TT.
Molecular consequence: intron variant.
Genome position (GRCh38, 1-based): chrX:71,119,358-71,119,359, GC replaced by TT. VCF-style: chrX-71119358-GC-TT. GRCh37 (hg19) VCF-style: chrX-70339208-GC-TT.
Identifiers: ClinVar variation 2034948 (VCV002034948.4), dbSNP rs2147769578, ClinGen allele CA2580101307.

ClinVar aggregate classification (germline): Uncertain significance (1 of 4 stars; one submission).

Conditions:
FG syndrome (FGS). Identifiers: MedGen C0220769, MONDO:0002010.

Submission:

Labcorp Genetics (formerly Invitae), Labcorp
Classification: Uncertain significance for FG syndrome. Last evaluated: 2022-10-09. Review status: criteria provided, single submitter. Criteria: Invitae Variant Classification Sherloc (09022015). Collection method: clinical testing. Allele origin: germline.
Comment: This sequence change falls in intron 1 of the MED12 gene. It does not directly change the encoded amino acid sequence of the MED12 protein. Information on the frequency of this variant in the gnomAD database is not available, as this variant may be reported differently in the database. This variant has not been reported in the literature in individuals affected with MED12-related conditions. Experimental studies and prediction algorithms are not available or were not evaluated, and the effect of this variant on mRNA splicing is currently unknown. In summary, the available evidence is currently insufficient to determine the role of this variant in disease. Therefore, it has been classified as a Variant of Uncertain Significance.